The following is an entry in ClinVar:

ClinVar aggregate classification (germline): Benign (1 of 4 stars; one submission).

Allele frequency attached by ClinVar (database versions not stated): TOPMed 0.00003; gnomAD 0.00008; ExAC 0.00044; 1000 Genomes Project 30x 0.00078; 1000 Genomes Project 0.00080.

Submission:

CeGaT Center for Human Genetics Tuebingen
Classification: Benign. Last evaluated: 2022-05-01. Review status: criteria provided, single submitter. Criteria: CeGaT Center For Human Genetics Tuebingen Variant Classification Criteria Version 2. Collection method: clinical testing. Allele origin: germline. Affected: yes. Observed: 1 variant allele.
Comment: CDH15: BS1, BS2

NM_004933.3(CDH15):c.2137G>A (p.Asp713Asn)

Gene: CDH15 (cadherin 15; plus strand). Cytogenetic location: 16q24.3.
Variant type: single nucleotide variant.
Coding change: c.2137G>A on transcript NM_004933.3 (MANE Select); coding-DNA position 2137, G replaced by A.
Protein change: p.Asp713Asn; replaces aspartic acid 713 with asparagine.
Molecular consequence: missense variant.
Genome position (GRCh38, 1-based): chr16:89,193,899, G>A. VCF-style: chr16-89193899-G-A. GRCh37 (hg19) VCF-style: chr16-89260307-G-A.
Other names: short protein forms D713N.
Identifiers: ClinVar variation 2647044 (VCV002647044.24), dbSNP rs530836882, ClinGen allele CA8239562.